The following is an entry in ClinVar:

ClinVar aggregate classification (germline): Uncertain significance (1 of 4 stars; one submission).

Submission:

Quest Diagnostics Nichols Institute San Juan Capistrano
Classification: Uncertain significance. Last evaluated: 2025-06-16. Review status: criteria provided, single submitter. Criteria: Quest Diagnostics criteria. Collection method: clinical testing. Allele origin: unknown.
Comment: The VWF c.4628C>G (p.Ser1543Cys) variant has not been reported in individuals with VWF-related conditions in the published literature. It also has not been reported in large, multi-ethnic general populations (Genome Aggregation Database). Analysis of this variant using a bioinformatics tool for the prediction of the effect of amino acid changes on protein structure and function yielded a prediction that this variant is damaging. Based on the available information, we are unable to determine the clinical significance of this variant.

NM_000552.5(VWF):c.4628C>G (p.Ser1543Cys)

Gene: VWF (von Willebrand factor; minus strand). Cytogenetic location: 12p13.31.
Variant type: single nucleotide variant.
Coding change: c.4628C>G on transcript NM_000552.5 (MANE Select); coding-DNA position 4628, C replaced by G.
Protein change: p.Ser1543Cys; replaces serine 1543 with cysteine.
Molecular consequence: missense variant.
Genome position (GRCh38, 1-based): chr12:6,018,790, G>C on the plus strand (C>G on the coding strand, the complement: VWF is on the minus strand). VCF-style: chr12-6018790-G-C. GRCh37 (hg19) VCF-style: chr12-6127956-G-C.
Other names: short protein forms S1543C.
Identifiers: ClinVar variation 4533008 (VCV004533008.1).
Genomic context (GRCh38, chr12:6,018,790, plus strand): 5'-TGCAGGATGTCCCCTTTGGACTGTGCCTCGCTGAAGGGGTACTCCACAGTCACCATGTAG[G>C]AGTACTGCAGCACCGTGACGTGGATGCTGTCCTGGCCCACATCCATCCGCTGAATCACCT-3'
Protein context (NP_000543.3, residues 1533-1553): DSIHVTVLQY[Ser1543Cys]YMVTVEYPFS